The following is an entry in ClinVar:

ClinVar aggregate classification (germline): Uncertain significance. Review status: criteria provided, multiple submitters, no conflicts (2 of 4 stars). 6 submissions from 6 submitters: Uncertain significance (6). Last evaluated 2026-01-25.

Conditions:
Hereditary cancer-predisposing syndrome. Also called: Neoplastic Syndromes, Hereditary; Tumor predisposition; Hereditary Cancer Syndrome; Hereditary neoplastic syndrome. Identifiers: Orphanet 140162, MedGen C0027672, MeSH D009386, MONDO:0015356.
Colorectal cancer. Also called: Colorectal cancer, somatic; Malignant Colorectal Neoplasm. Identifiers: MedGen C0346629, MONDO:0005575, OMIM 114500.
Oligodontia-cancer predisposition syndrome. Also called: TOOTH AGENESIS-COLORECTAL CANCER SYNDROME. Identifiers: Orphanet 300576, MedGen C1837750, MONDO:0012075, OMIM 608615. Disease mechanism: loss of function.

Allele frequency attached by ClinVar (database versions not stated): TOPMed 0.00001.
gnomAD v4.1: 6 of 1,614,192 alleles (0.00037%); highest among the groups gnomAD compares: African/African-American, 0.0013%; no homozygotes.

Submissions (6):

Labcorp Genetics (formerly Invitae), Labcorp
Classification: Uncertain significance for Oligodontia-cancer predisposition syndrome. Last evaluated: 2026-01-25. Review status: criteria provided, single submitter. Criteria: Invitae Variant Classification Sherloc (09022015). Collection method: clinical testing. Allele origin: germline.
Comment: This sequence change replaces aspartic acid, which is acidic and polar, with asparagine, which is neutral and polar, at codon 843 of the AXIN2 protein (p.Asp843Asn). This variant is not present in population databases (gnomAD no frequency). This variant has not been reported in the literature in individuals affected with AXIN2-related conditions. ClinVar contains an entry for this variant (Variation ID: 821430). Invitae Evidence Modeling of protein sequence and biophysical properties (such as structural, functional, and spatial information, amino acid conservation, physicochemical variation, residue mobility, and thermodynamic stability) indicates that this missense variant is expected to disrupt AXIN2 protein function with a positive predictive value of 80%. In summary, the available evidence is currently insufficient to determine the role of this variant in disease. Therefore, it has been classified as a Variant of Uncertain Significance.

Quest Diagnostics Nichols Institute San Juan Capistrano
Classification: Uncertain significance. Last evaluated: 2025-10-10. Review status: criteria provided, single submitter. Criteria: Quest Diagnostics criteria. Collection method: clinical testing. Allele origin: unknown.
Comment: The AXIN2 c.2527G>A (p.Asp843Asn) variant has not been reported in individuals with AXIN2-related conditions in the published literature. This variant has not been reported in large, multi-ethnic general populations (Genome Aggregation Database). Analysis of this variant using bioinformatics tools for the prediction of the effect of amino acid changes on protein structure and function yielded predictions that this variant is damaging. Based on the available information, we are unable to determine the clinical significance of this variant.

Ambry Genetics
Classification: Uncertain significance for Hereditary cancer-predisposing syndrome. Last evaluated: 2024-09-23. Review status: criteria provided, single submitter. Criteria: Ambry Variant Classification Scheme 2023. Collection method: clinical testing. Allele origin: germline.
Comment: The p.D843N variant (also known as c.2527G>A), located in coding exon 10 of the AXIN2 gene, results from a G to A substitution at nucleotide position 2527. The aspartic acid at codon 843 is replaced by asparagine, an amino acid with highly similar properties. This amino acid position is highly conserved in available vertebrate species. In addition, this alteration is predicted to be tolerated by in silico analysis. Since supporting evidence is limited at this time, the clinical significance of this alteration remains unclear.

Baylor Genetics
Classification: Uncertain significance for Colorectal cancer. Last evaluated: 2023-09-08. Review status: criteria provided, single submitter. Criteria: ACMG Guidelines, 2015. Collection method: clinical testing. Allele origin: unknown.

GeneDx
Classification: Uncertain significance. Last evaluated: 2022-12-30. Review status: criteria provided, single submitter. Criteria: GeneDx Variant Classification Process June 2021. Collection method: clinical testing. Allele origin: germline. Affected: yes.
Comment: Not observed at significant frequency in large population cohorts (gnomAD); In silico analysis supports that this missense variant has a deleterious effect on protein structure/function; Has not been previously published as pathogenic or benign to our knowledge; This variant is associated with the following publications: (PMID: 15735151)

Centre for Mendelian Genomics, University Medical Centre Ljubljana
Classification: Uncertain significance for Oligodontia-cancer predisposition syndrome. Last evaluated: 2019-10-02. Review status: criteria provided, single submitter. Criteria: ACMG Guidelines, 2015. Collection method: clinical testing. Allele origin: unknown. Affected: yes.
Comment: This variant was classified as: Uncertain significance. The available evidence on this variant's pathogenicity is insufficient or conflicting. The following ACMG criteria were applied in classifying this variant: BP1,PS2,PM2,PP3.

NM_004655.4(AXIN2):c.2527G>A (p.Asp843Asn)

Gene: AXIN2 (axin 2; minus strand). Cytogenetic location: 17q24.1.
Variant type: single nucleotide variant.
Coding change: c.2527G>A on transcript NM_004655.4 (MANE Select); coding-DNA position 2527, G replaced by A.
Protein change: p.Asp843Asn; replaces aspartic acid 843 with asparagine.
Molecular consequence: missense variant.
Genome position (GRCh38, 1-based): chr17:65,529,981, C>T on the plus strand (G>A on the coding strand, the complement: AXIN2 is on the minus strand). VCF-style: chr17-65529981-C-T. GRCh37 (hg19) VCF-style: chr17-63526099-C-T.
Other names: c.2332G>A, p.Asp778Asn (NM_001363813.1); short protein forms D843N, D778N.
Identifiers: ClinVar variation 821430 (VCV000821430.19), dbSNP rs1249731868, ClinGen allele CA400674720.